The following is an entry in ClinVar:

ClinVar aggregate classification (germline): Uncertain significance. Review status: criteria provided, multiple submitters, no conflicts (2 of 4 stars). 5 submissions from 5 submitters: Uncertain significance (5). Last evaluated 2022-05-04.

Conditions:
Hereditary cancer-predisposing syndrome. Also called: Neoplastic Syndromes, Hereditary; Tumor predisposition; Hereditary Cancer Syndrome; Hereditary neoplastic syndrome. Identifiers: Orphanet 140162, MedGen C0027672, MeSH D009386, MONDO:0015356.
Hereditary breast ovarian cancer syndrome. Also called: Hereditary breast and ovarian cancer; Hereditary breast and/or ovarian cancer syndrome; BRCA1- and BRCA2-Associated Hereditary Breast and Ovarian Cancer; Hereditary breast and ovarian cancer syndrome (HBOC); Hereditary breast and ovarian cancer syndrome; Breast and ovarian cancer. Identifiers: Orphanet 145, MedGen C0677776, MeSH D061325, MONDO:0003582. Disease mechanism: loss of function.

Submissions (5):

Mendelics
Classification: Uncertain significance. Last evaluated: 2022-05-04. Review status: criteria provided, single submitter. Criteria: Mendelics Assertion Criteria 2019. Collection method: clinical testing. Allele origin: germline.

Color Diagnostics, LLC DBA Color Health
Classification: Uncertain significance for Hereditary cancer-predisposing syndrome. Last evaluated: 2021-04-06. Review status: criteria provided, single submitter. Criteria: ACMG Guidelines, 2015. Collection method: clinical testing. Allele origin: germline.
Comment: This missense variant replaces glutamine with arginine at codon 1525 of the BRCA1 protein. Computational prediction is inconclusive regarding the impact of this variant on protein structure and function (internally defined REVEL score threshold 0.5 < inconclusive < 0.7, PMID: 27666373). To our knowledge, functional studies have not been reported for this variant. This variant has not been reported in individuals affected with hereditary cancer in the literature. This variant has not been identified in the general population by the Genome Aggregation Database (gnomAD). The available evidence is insufficient to determine the role of this variant in disease conclusively. Therefore, this variant is classified as a Variant of Uncertain Significance.

Labcorp Genetics (formerly Invitae), Labcorp
Classification: Uncertain significance for Hereditary breast ovarian cancer syndrome. Last evaluated: 2020-05-13. Review status: criteria provided, single submitter. Criteria: Invitae Variant Classification Sherloc (09022015). Collection method: clinical testing. Allele origin: germline.
Comment: This variant has not been reported in the literature in individuals with BRCA1-related conditions. ClinVar contains an entry for this variant (Variation ID: 186994). In summary, the available evidence is currently insufficient to determine the role of this variant in disease. Therefore, it has been classified as a Variant of Uncertain Significance. Algorithms developed to predict the effect of missense changes on protein structure and function are either unavailable or do not agree on the potential impact of this missense change (SIFT: "Deleterious"; PolyPhen-2: "Benign"; Align-GVGD: "Class C0"). This variant is not present in population databases (ExAC no frequency). This sequence change replaces glutamine with arginine at codon 1525 of the BRCA1 protein (p.Gln1525Arg). The glutamine residue is moderately conserved and there is a small physicochemical difference between glutamine and arginine.

GeneDx
Classification: Uncertain significance. Last evaluated: 2015-07-17. Review status: criteria provided, single submitter. Criteria: GeneDx Variant Classification (06012015). Collection method: clinical testing. Allele origin: germline. Affected: yes.
Comment: This variant is denoted BRCA1 c.4574A>G at the cDNA level, p.Gln1525Arg (Q1525R) at the protein level, and results in the change of a Glutamine to an Arginine (CAA>CGA). Using alternate nomenclature, this variant would be defined as BRCA1 4693A>G. This variant has not, to our knowledge, been published in the literature as pathogenic or benign. BRCA1 Gln1525Arg was not observed in approximately 6,500 individuals of European and African American ancestry in the NHLBI Exome Sequencing Project, indicating it is not a common benign variant in these populations. Since Glutamine and Arginine differ in some properties, this is considered a semi-conservative amino acid substitution. BRCA1 Gln1525Arg occurs at a position that is not conserved and is not located in a known functional domain (UniProt). In silico analyses are inconsistent regarding the effect this variant may have on protein structure and function. Based on currently available information, it is unclear whether BRCA1 Gln1525Arg is pathogenic or benign. We consider it to be a variant of uncertain significance.

Ambry Genetics
Classification: Uncertain significance for Hereditary cancer-predisposing syndrome. Last evaluated: 2014-10-28. Review status: criteria provided, single submitter. Criteria: Ambry Variant Classification Scheme 2023. Collection method: clinical testing. Allele origin: germline.
Comment: The p.Q1525R variant (also known as c.4574A>G or 4693A>G), located in coding exon 13 of the BRCA1 gene, results from an A to G substitution at nucleotide position 4574. The glutamine at codon 1525 is replaced by arginine, an amino acid with highly similar properties. This variant was not reported in population based cohorts in the following databases: Database of Single Nucleotide Polymorphisms (dbSNP), NHLBI Exome Sequencing Project (ESP), and 1000 Genomes Project. In the ESP, this variant was not observed in 6503 samples (13006 alleles) with coverage at this position. To date, this alteration has been detected with an allele frequency of approximately 0.002% (greater than 64000 alleles tested) in our clinical cohort. This amino acid position is not well conserved in available vertebrate species. In addition, this alteration is predicted to be benign and deleterious by PolyPhen and SIFT in silico analyses, respectively. Since supporting evidence is limited at this time, the clinical significance of p.Q1525R remains unclear.

NM_007294.4(BRCA1):c.4574A>G (p.Gln1525Arg)

Gene: BRCA1 (BRCA1 DNA repair associated; minus strand). Cytogenetic location: 17q21.31.
Variant type: single nucleotide variant.
Coding change: c.4574A>G on transcript NM_007294.4 (MANE Select); coding-DNA position 4574, A replaced by G.
Protein change: p.Gln1525Arg; replaces glutamine 1525 with arginine.
Molecular consequence: missense variant. On other transcripts: non-coding transcript variant (1).
Genome position (GRCh38, 1-based): chr17:43,074,432, T>C on the plus strand (A>G on the coding strand, the complement: BRCA1 is on the minus strand). VCF-style: chr17-43074432-T-C. GRCh37 (hg19) VCF-style: chr17-41226449-T-C.
Other names: c.4364A>G, p.Gln1455Arg (NM_001407879.1, NM_001407881.1, NM_001407882.1 and 5 more transcripts); c.4361A>G, p.Gln1454Arg (NM_001407894.1, NM_001407895.1, NM_001407896.1 and 12 more transcripts); c.4358A>G, p.Gln1453Arg (NM_001407915.1, NM_001407916.1, NM_001407917.1 and 1 more transcripts); c.4451A>G, p.Gln1484Arg (NM_001407919.1, NM_001407937.1, NM_001407938.1 and 6 more transcripts); c.4310A>G, p.Gln1437Arg (NM_001407920.1, NM_001407921.1, NM_001407922.1 and 4 more transcripts); c.4307A>G, p.Gln1436Arg (NM_001407927.1, NM_001407928.1, NM_001407929.1 and 4 more transcripts); c.4304A>G, p.Gln1435Arg (NM_001407934.1, NM_001407935.1, NM_001407936.1); c.4448A>G, p.Gln1483Arg (NM_001407939.1, NM_001407940.1, NM_001407670.1 and 11 more transcripts); and 68 more; short protein forms Q1525R, Q1478R, Q1546R, Q421R, Q1435R, Q1436R, Q1482R, Q1520R.
Identifiers: ClinVar variation 186994 (VCV000186994.19), dbSNP rs786203386, ClinGen allele CA002909.